The following is an entry in ClinVar:

NM_006005.3(WFS1):c.2530G>A (p.Ala844Thr)

Gene: WFS1 (wolframin ER transmembrane glycoprotein; plus strand). Cytogenetic location: 4p16.1.
Variant type: single nucleotide variant.
Coding change: c.2530G>A on transcript NM_006005.3 (MANE Select); coding-DNA position 2530, G replaced by A.
Protein change: p.Ala844Thr; replaces alanine 844 with threonine.
Molecular consequence: missense variant.
Genome position (GRCh38, 1-based): chr4:6,302,325, G>A. VCF-style: chr4-6302325-G-A. GRCh37 (hg19) VCF-style: chr4-6304052-G-A.
Other names: c.2530G>A, p.Ala844Thr (NM_001145853.1); short protein forms A844T.
Identifiers: ClinVar variation 3392512 (VCV003392512.2).

ClinVar aggregate classification (germline): Uncertain significance (1 of 4 stars; one submission).

Conditions:
Autosomal dominant nonsyndromic hearing loss 6 (LFSNHL). Also called: DEAFNESS, AUTOSOMAL DOMINANT 6; DEAFNESS, AUTOSOMAL DOMINANT 14; DEAFNESS, AUTOSOMAL DOMINANT 38; DIDMOAD (Diabetes Insipidus, Diabetes Mellitus, Optic Atrophy, and Deafness); Autosomal dominant nonsyndromic deafness 6. Identifiers: Orphanet 90635, MedGen C1833021, MONDO:0010963, OMIM 600965.

Submission:

Juno Genomics, Hangzhou Juno Genomics, Inc
Classification: Uncertain significance for Autosomal dominant nonsyndromic hearing loss 6. Review status: criteria provided, single submitter. Criteria: ACMG Guidelines, 2015. Collection method: clinical testing. Allele origin: germline. Affected: yes.
Comment: Absent from controls (or at extremely low frequency if recessive) in Genome Aggregation Database, Exome Sequencing Project, 1000 Genomes Project, or Exome Aggregation Consortium.;Multiple lines of computational evidence support a deleterious effect on the gene or gene product (conservation, evolutionary, splicing impact, etc).;The prevalence of the variant in affected individuals is significantly increased compared to the prevalence in controls.;Co-segregation with disease in multiple affected family members in a gene definitively known to cause the disease.